The following is an entry in ClinVar:

NM_000062.3(SERPING1):c.1030-1G>C

Gene: SERPING1 (serpin family G member 1; plus strand). Cytogenetic location: 11q12.1.
Variant type: single nucleotide variant.
Coding change: c.1030-1G>C on transcript NM_000062.3 (MANE Select); the canonical splice acceptor site of the intron before coding-DNA position 1030, G replaced by C.
Molecular consequence: splice acceptor variant.
Genome position (GRCh38, 1-based): chr11:57,611,716, G>C. VCF-style: chr11-57611716-G-C. GRCh37 (hg19) VCF-style: chr11-57379189-G-C.
Other names: c.1030-1G>C (NM_001032295.2).
Identifiers: ClinVar variation 3242568 (VCV003242568.2), dbSNP rs2495452074.

ClinVar aggregate classification (germline): Pathogenic (1 of 4 stars; one submission).

Conditions:
Hereditary angioedema type 1 (HAE1). Identifiers: Orphanet 100050, Orphanet 100051, Orphanet 91378, MedGen C2717906, MONDO:0015053, OMIM 106100.

Submission:

DNA-diagnostics Laboratory, Research Centre For Medical Genetics
Classification: Pathogenic for Hereditary angioedema type 1. Last evaluated: 2024-06-01. Review status: criteria provided, single submitter. Criteria: ACMG Guidelines, 2015. Collection method: research. Allele origin: germline. Inheritance: Autosomal dominant inheritance. Affected: yes. Observed: 2 variant alleles, 2 heterozygotes.
Comment: According to our observation and the published information of Verpy et al., 1996, Gösswein et al., 2008, López-Lera et al., 2011, the c.1030-1G>C variant in SERPING1 meets ACMG/ClinGen SVI guidance criteria to be classified as pathogenic: PVS1_Str, PP4_Str, PS4_Mod, PM2_Sup

Literature cited by the submitters: PubMed 8755917; DOI 10.1016/j.molimm.2011.07.010; DOI 10.1159/000138883.